The following is an entry in ClinVar:

NM_001098426.2(SMARCD2):c.1387G>A (p.Asp463Asn)

Gene: SMARCD2 (SWI/SNF related BAF chromatin remodeling complex subunit D2; minus strand). Cytogenetic location: 17q23.3.
Variant type: single nucleotide variant.
Coding change: c.1387G>A on transcript NM_001098426.2 (MANE Select); coding-DNA position 1387, G replaced by A.
Protein change: p.Asp463Asn; replaces aspartic acid 463 with asparagine.
Molecular consequence: missense variant.
Genome position (GRCh38, 1-based): chr17:63,833,351, C>T on the plus strand (G>A on the coding strand, the complement: SMARCD2 is on the minus strand). VCF-style: chr17-63833351-C-T. GRCh37 (hg19) VCF-style: chr17-61910711-C-T.
Other names: c.1162G>A, p.Asp388Asn (NM_001330439.1); c.1243G>A, p.Asp415Asn (NM_001330440.2); c.1387G>A (NM_001098426.1); short protein forms D463N, D388N, D415N.
Identifiers: ClinVar variation 1915459 (VCV001915459.3), dbSNP rs775183361, ClinGen allele CA8706218.

ClinVar aggregate classification (germline): Uncertain significance. Review status: criteria provided, multiple submitters, no conflicts (2 of 4 stars). 2 submissions from 2 submitters: Uncertain significance (2). Last evaluated 2025-08-11.

Conditions:
Inborn genetic diseases. Identifiers: MedGen C0950123, MeSH D030342.

Allele frequency attached by ClinVar (database versions not stated): gnomAD 0.00001; TOPMed 0.00001; ExAC 0.00002; gnomAD exomes 0.00005.
gnomAD v4.1: 72 of 1,613,804 alleles (0.0045%); highest among the groups gnomAD compares: Middle Eastern, 0.016%; no homozygotes.

Submissions (2):

Ambry Genetics
Classification: Uncertain significance for Inborn genetic diseases. Last evaluated: 2025-08-11. Review status: criteria provided, single submitter. Criteria: Ambry Variant Classification Scheme 2023. Collection method: clinical testing. Allele origin: germline.

Labcorp Genetics (formerly Invitae), Labcorp
Classification: Uncertain significance. Last evaluated: 2022-07-15. Review status: criteria provided, single submitter. Criteria: Invitae Variant Classification Sherloc (09022015). Collection method: clinical testing. Allele origin: germline.
Comment: This sequence change replaces aspartic acid, which is acidic and polar, with asparagine, which is neutral and polar, at codon 463 of the SMARCD2 protein (p.Asp463Asn). This variant is present in population databases (rs775183361, gnomAD 0.01%). This variant has not been reported in the literature in individuals affected with SMARCD2-related conditions. Algorithms developed to predict the effect of missense changes on protein structure and function (SIFT, PolyPhen-2, Align-GVGD) all suggest that this variant is likely to be tolerated. In summary, the available evidence is currently insufficient to determine the role of this variant in disease. Therefore, it has been classified as a Variant of Uncertain Significance.